The following is an entry in ClinVar:

ClinVar aggregate classification (germline): Uncertain significance. Review status: criteria provided, multiple submitters, no conflicts (2 of 4 stars). 2 submissions from 2 submitters: Uncertain significance (2). Last evaluated 2022-01-05.

Conditions:
Familial cold autoinflammatory syndrome 3 (FCAS3). Also called: ANTIBODY DEFICIENCY AND IMMUNE DYSREGULATION, PLCG2-ASSOCIATED; FAMILIAL ATYPICAL COLD URTICARIA. Identifiers: Orphanet 300359, MedGen C3280914, MONDO:0013766, OMIM 614468.
Autoinflammation-PLCG2-associated antibody deficiency-immune dysregulation. Also called: Autoinflammation, antibody deficiency, and immune dysregulation, plcg2-associated; AUTOINFLAMMATION, ANTIBODY DEFICIENCY, AND IMMUNE DYSREGULATION; Autoinflammation, antibody deficiency, and immune dysregulation syndrome. Identifiers: Orphanet 324530, MedGen C3553961, MONDO:0013944, OMIM 614878.

Allele frequency attached by ClinVar (database versions not stated): ExAC 0.00001; gnomAD exomes 0.00001.
gnomAD v4.1: 4 of 1,611,684 alleles (0.00025%); highest among the groups gnomAD compares: Non-Finnish European, 0.00034%; no homozygotes.

Submissions (2):

Fulgent Genetics
Classification: Uncertain significance for Familial cold autoinflammatory syndrome 3; Autoinflammation-PLCG2-associated antibody deficiency-immune dysregulation. Last evaluated: 2022-01-05. Review status: criteria provided, single submitter. Criteria: ACMG Guidelines, 2015. Collection method: clinical testing. Allele origin: unknown.

Labcorp Genetics (formerly Invitae), Labcorp
Classification: Uncertain significance for Familial cold autoinflammatory syndrome 3. Last evaluated: 2020-10-10. Review status: criteria provided, single submitter. Criteria: Invitae Variant Classification Sherloc (09022015). Collection method: clinical testing. Allele origin: germline.
Comment: This variant is present in population databases (rs769337881, ExAC 0.002%). This sequence change replaces serine with cysteine at codon 800 of the PLCG2 protein (p.Ser800Cys). The serine residue is moderately conserved and there is a moderate physicochemical difference between serine and cysteine. This variant has not been reported in the literature in individuals with PLCG2-related conditions. Algorithms developed to predict the effect of missense changes on protein structure and function are either unavailable or do not agree on the potential impact of this missense change (SIFT: "Tolerated"; PolyPhen-2: "Possibly Damaging"; Align-GVGD: "Class C0"). In summary, the available evidence is currently insufficient to determine the role of this variant in disease. Therefore, it has been classified as a Variant of Uncertain Significance.

NM_002661.5(PLCG2):c.2399C>G (p.Ser800Cys)

Gene: PLCG2 (phospholipase C gamma 2; plus strand). Cytogenetic location: 16q23.3.
Variant type: single nucleotide variant.
Coding change: c.2399C>G on transcript NM_002661.5 (MANE Select); coding-DNA position 2399, C replaced by G.
Protein change: p.Ser800Cys; replaces serine 800 with cysteine.
Molecular consequence: missense variant.
Genome position (GRCh38, 1-based): chr16:81,923,576, C>G. VCF-style: chr16-81923576-C-G. GRCh37 (hg19) VCF-style: chr16-81957181-C-G.
Other names: short protein forms S800C.
Identifiers: ClinVar variation 1017518 (VCV001017518.10), dbSNP rs769337881, ClinGen allele CA8194241.